The following is an entry in ClinVar:

NM_153704.6(TMEM67):c.2180A>G (p.Tyr727Cys)

Gene: TMEM67 (transmembrane protein 67; plus strand). Cytogenetic location: 8q22.1.
Variant type: single nucleotide variant.
Coding change: c.2180A>G on transcript NM_153704.6 (MANE Select); coding-DNA position 2180, A replaced by G.
Protein change: p.Tyr727Cys; replaces tyrosine 727 with cysteine.
Molecular consequence: missense variant. On other transcripts: non-coding transcript variant (1).
Genome position (GRCh38, 1-based): chr8:93,799,697, A>G. VCF-style: chr8-93799697-A-G. GRCh37 (hg19) VCF-style: chr8-94811925-A-G.
Other names: c.1937A>G, p.Tyr646Cys (NM_001142301.1); short protein forms Y646C, Y727C.
Identifiers: ClinVar variation 2195376 (VCV002195376.2), dbSNP rs762534715, ClinGen allele CA4808222.

ClinVar aggregate classification (germline): Uncertain significance. Review status: criteria provided, multiple submitters, no conflicts (2 of 4 stars). 2 submissions from 2 submitters: Uncertain significance (2). Last evaluated 2025-09-03.

Conditions:
Meckel-Gruber syndrome. Also called: DYSENCEPHALIA SPLANCHNOCYSTICA; GRUBER SYNDROME; Dysencephalia splachnocystica. Identifiers: Orphanet 564, MedGen C0265215, MONDO:0018921.
Joubert syndrome. Also called: JOUBERT-BOLTSHAUSER SYNDROME; Familial aplasia of the vermis. Identifiers: Orphanet 475, MedGen C5979921, MONDO:0018772.
TMEM67-related disorder. Also called: TMEM67-related disorders; TMEM67-related condition. Identifiers: MedGen CN239423.

Allele frequency attached by ClinVar (database versions not stated): ExAC 0.00001.
gnomAD v4.1: 27 of 1,613,318 alleles (0.0017%); highest among the groups gnomAD compares: Non-Finnish European, 0.0022%; no homozygotes.

Submissions (2):

PreventionGenetics, part of Exact Sciences
Classification: Uncertain significance for TMEM67-related condition. Last evaluated: 2025-09-03. Review status: criteria provided, single submitter. Criteria: ACMG Guidelines, 2015. Collection method: clinical testing. Allele origin: germline.
Comment: The TMEM67 c.2180A>G variant is predicted to result in the amino acid substitution p.Tyr727Cys. To our knowledge, this variant has not been reported in the literature. This variant is reported in 0.0026% of alleles in individuals of European (Non-Finnish) descent in gnomAD. At this time, the clinical significance of this variant is uncertain due to the absence of conclusive functional and genetic evidence.

Labcorp Genetics (formerly Invitae), Labcorp
Classification: Uncertain significance for Joubert syndrome; Meckel-Gruber syndrome. Last evaluated: 2022-09-09. Review status: criteria provided, single submitter. Criteria: Invitae Variant Classification Sherloc (09022015). Collection method: clinical testing. Allele origin: germline.
Comment: This sequence change replaces tyrosine, which is neutral and polar, with cysteine, which is neutral and slightly polar, at codon 727 of the TMEM67 protein (p.Tyr727Cys). This variant is present in population databases (rs762534715, gnomAD 0.004%). This variant has not been reported in the literature in individuals affected with TMEM67-related conditions. Advanced modeling of protein sequence and biophysical properties (such as structural, functional, and spatial information, amino acid conservation, physicochemical variation, residue mobility, and thermodynamic stability) has been performed at Invitae for this missense variant, however the output from this modeling did not meet the statistical confidence thresholds required to predict the impact of this variant on TMEM67 protein function. In summary, the available evidence is currently insufficient to determine the role of this variant in disease. Therefore, it has been classified as a Variant of Uncertain Significance.